The following is an entry in ClinVar:

ClinVar aggregate classification (germline): Pathogenic. Review status: reviewed by expert panel (3 of 4 stars). 3 submissions from 3 submitters: Pathogenic (1). 2 of the submissions do not count toward it. Last evaluated 2016-09-08.

Conditions:
Breast-ovarian cancer, familial, susceptibility to, 2 (BROVCA2). Also called: BRCA2 Hereditary Breast and Ovarian Cancer. Identifiers: Orphanet 145, MedGen C2675520, MONDO:0012933, OMIM 612555. Disease mechanism: loss of function.

Submissions (3):

Evidence-based Network for the Interpretation of Germline Mutant Alleles (ENIGMA)
Classification: Pathogenic for Breast-ovarian cancer, familial, susceptibility to, 2. Last evaluated: 2016-09-08. Review status: reviewed by expert panel. Criteria: ENIGMA BRCA1/2 Classification Criteria (2015). Collection method: curation. Allele origin: germline.
Comment: Variant allele predicted to encode a truncated non-functional protein.

Consortium of Investigators of Modifiers of BRCA1/2 (CIMBA), c/o University of Cambridge
Classification: Pathogenic for Breast-ovarian cancer, familial, susceptibility to, 2. Last evaluated: 2015-10-02. Review status: criteria provided, single submitter. Criteria: CIMBA Mutation Classification guidelines May 2016. Collection method: clinical testing. Allele origin: germline. Not counted in ClinVar's aggregate classification.

Breast Cancer Information Core (BIC) (BRCA2)
Classification: Pathogenic for Breast-ovarian cancer, familial 2. Last evaluated: 1999-03-23. Review status: no assertion criteria provided. Collection method: clinical testing. Allele origin: germline, unknown. Affected: yes. Observed: 2 variant alleles. Not counted in ClinVar's aggregate classification.

NM_000059.4(BRCA2):c.7806_7807insAG (p.Ala2603fs)

Gene: BRCA2 (BRCA2 DNA repair associated; plus strand). Cytogenetic location: 13q13.1.
Variant type: Insertion.
Coding change: c.7806_7807insAG on transcript NM_000059.4 (MANE Select); coding-DNA positions 7806 to 7807, AG inserted.
Protein change: p.Ala2603fs; shifts the reading frame from alanine 2603.
Molecular consequence: frameshift variant.
Genome position: GRCh38 VCF-style: chr13-32362522-G-GGA. GRCh37 (hg19) VCF-style: chr13-32936659-G-GGA.
Other names: 8034insAG; short protein forms A2603fs.
Identifiers: ClinVar variation 52421 (VCV000052421.5), dbSNP rs80359683, ClinGen allele CA025291.